The following is an entry in ClinVar:

ClinVar aggregate classification (germline): Uncertain significance (1 of 4 stars; one submission).

gnomAD v4.1: 2 of 1,614,060 alleles (0.00012%); highest among the groups gnomAD compares: South Asian, 0.0011%; no homozygotes.

Submission:

Labcorp Genetics (formerly Invitae), Labcorp
Classification: Uncertain significance. Last evaluated: 2025-01-13. Review status: criteria provided, single submitter. Criteria: Invitae Variant Classification Sherloc (09022015). Collection method: clinical testing. Allele origin: germline.
Comment: This sequence change replaces arginine, which is basic and polar, with leucine, which is neutral and non-polar, at codon 210 of the FAT4 protein (p.Arg210Leu). This variant is not present in population databases (gnomAD no frequency). This variant has not been reported in the literature in individuals affected with FAT4-related conditions. ClinVar contains an entry for this variant (Variation ID: 1523790). Invitae Evidence Modeling of protein sequence and biophysical properties (such as structural, functional, and spatial information, amino acid conservation, physicochemical variation, residue mobility, and thermodynamic stability) has been performed for this missense variant. However, the output from this modeling did not meet the statistical confidence thresholds required to predict the impact of this variant on FAT4 protein function. In summary, the available evidence is currently insufficient to determine the role of this variant in disease. Therefore, it has been classified as a Variant of Uncertain Significance.

NM_001291303.3(FAT4):c.629G>T (p.Arg210Leu)

Gene: FAT4 (FAT atypical cadherin 4; plus strand). Cytogenetic location: 4q28.1.
Variant type: single nucleotide variant.
Coding change: c.629G>T on transcript NM_001291303.3 (MANE Select); coding-DNA position 629, G replaced by T.
Protein change: p.Arg210Leu; replaces arginine 210 with leucine.
Molecular consequence: missense variant.
Genome position (GRCh38, 1-based): chr4:125,317,040, G>T. VCF-style: chr4-125317040-G-T. GRCh37 (hg19) VCF-style: chr4-126238195-G-T.
Other names: c.629G>T, p.Arg210Leu (NM_001291285.3, NM_024582.6); short protein forms R210L.
Identifiers: ClinVar variation 1523790 (VCV001523790.6), dbSNP rs1353199749, ClinGen allele CA358116198.